The following is an entry in ClinVar:

NM_020366.4(RPGRIP1):c.1018G>T (p.Ala340Ser)

Gene: RPGRIP1 (RPGR interacting protein 1; plus strand). Cytogenetic location: 14q11.2.
Variant type: single nucleotide variant.
Coding change: c.1018G>T on transcript NM_020366.4 (MANE Select); coding-DNA position 1018, G replaced by T.
Protein change: p.Ala340Ser; replaces alanine 340 with serine.
Molecular consequence: missense variant.
Genome position (GRCh38, 1-based): chr14:21,311,911, G>T. VCF-style: chr14-21311911-G-T. GRCh37 (hg19) VCF-style: chr14-21780070-G-T.
Other names: short protein forms A340S.
Identifiers: ClinVar variation 935872 (VCV000935872.9), dbSNP rs1881555303, ClinGen allele CA388862317.

ClinVar aggregate classification (germline): Uncertain significance (1 of 4 stars; one submission).

Conditions:
Cone-rod dystrophy 13 (CORD13). Identifiers: Orphanet 1872, MedGen C2750720, MONDO:0011987, OMIM 608194.
Leber congenital amaurosis 6 (LCA6). Identifiers: Orphanet 65, MedGen C1854260, MONDO:0013446, OMIM 613826.

Allele frequency attached by ClinVar (database versions not stated): gnomAD 0.00001; TOPMed 0.00001.
gnomAD v4.1: 1 of 1,613,110 alleles (0.000062%); highest among the groups gnomAD compares: African/African-American, 0.0013%; no homozygotes.

Submission:

Labcorp Genetics (formerly Invitae), Labcorp
Classification: Uncertain significance for Leber congenital amaurosis 6; Cone-rod dystrophy 13. Last evaluated: 2022-06-13. Review status: criteria provided, single submitter. Criteria: Invitae Variant Classification Sherloc (09022015). Collection method: clinical testing. Allele origin: germline.
Comment: In summary, the available evidence is currently insufficient to determine the role of this variant in disease. Therefore, it has been classified as a Variant of Uncertain Significance. Algorithms developed to predict the effect of missense changes on protein structure and function are either unavailable or do not agree on the potential impact of this missense change (SIFT: "Tolerated"; PolyPhen-2: "Possibly Damaging"; Align-GVGD: "Class C0"). ClinVar contains an entry for this variant (Variation ID: 935872). This variant has not been reported in the literature in individuals affected with RPGRIP1-related conditions. This variant is not present in population databases (gnomAD no frequency). This sequence change replaces alanine, which is neutral and non-polar, with serine, which is neutral and polar, at codon 340 of the RPGRIP1 protein (p.Ala340Ser).